The following is an entry in ClinVar:

NM_000477.7(ALB):c.615+14G>T

Gene: ALB (albumin; plus strand). Cytogenetic location: 4q13.3.
Variant type: single nucleotide variant.
Coding change: c.615+14G>T on transcript NM_000477.7 (MANE Select); 14 bases into the intron after coding-DNA position 615, G replaced by T.
Molecular consequence: intron variant.
Genome position (GRCh38, 1-based): chr4:73,409,501, G>T. VCF-style: chr4-73409501-G-T. GRCh37 (hg19) VCF-style: chr4-74275218-G-T.
Identifiers: ClinVar variation 349621 (VCV000349621.13), dbSNP rs55861135, ClinGen allele CA2959398.

ClinVar aggregate classification (germline): Benign. Review status: criteria provided, multiple submitters, no conflicts (2 of 4 stars). 3 submissions from 3 submitters: Benign (3). Last evaluated 2026-02-01.

Conditions:
Hyperthyroxinemia, familial dysalbuminemic (FDAH). Also called: EUTHYROID HYPERTHYROXINEMIA 1. Identifiers: MedGen C0342185, MONDO:0014448, OMIM 615999.

Allele frequency attached by ClinVar (database versions not stated): gnomAD exomes 0.00270; ExAC 0.00939; gnomAD 0.02915 and 0.03126; TOPMed 0.03314; ESP Exome Variant Server 0.03484; 1000 Genomes Project 0.03974; 1000 Genomes Project 30x 0.04091.
gnomAD v4.1: 8,579 of 1,612,698 alleles (0.53%); highest among the groups gnomAD compares: African/African-American, 10%; 402 homozygotes.

Submissions (3):

Labcorp Genetics (formerly Invitae), Labcorp
Classification: Benign. Last evaluated: 2026-02-01. Review status: criteria provided, single submitter. Criteria: Invitae Variant Classification Sherloc (09022015). Collection method: clinical testing. Allele origin: germline.

Illumina Laboratory Services, Illumina
Classification: Benign for Hyperthyroxinemia, familial dysalbuminemic. Last evaluated: 2018-01-13. Review status: criteria provided, single submitter. Criteria: ICSL Variant Classification Criteria 13 December 2019. Collection method: clinical testing. Allele origin: germline.
Comment: This variant was observed in the ICSL laboratory as part of a predisposition screen in an ostensibly healthy population. It had not been previously curated by ICSL or reported in the Human Gene Mutation Database (HGMD: prior to June 1st, 2018), and was therefore a candidate for classification through an automated scoring system. Utilizing variant allele frequency, disease prevalence and penetrance estimates, and inheritance mode, an automated score was calculated to assess if this variant is too frequent to cause the disease. Based on the score and internal cut-off values, a variant classified as benign is not then subjected to further curation. The score for this variant resulted in a classification of benign for this disease.

Breakthrough Genomics
Classification: Benign. Review status: criteria provided, single submitter. Criteria: ACMG Guidelines, 2015. Collection method: not provided. Allele origin: germline. Inheritance: Autosomal recessive inheritance. Affected: yes.